The following is an entry in ClinVar:

NM_198834.3(ACACA):c.6534C>T (p.Asp2178=)

Gene: ACACA (acetyl-CoA carboxylase alpha; minus strand). Cytogenetic location: 17q12.
Variant type: single nucleotide variant.
Coding change: c.6534C>T on transcript NM_198834.3 (MANE Select); coding-DNA position 6534, C replaced by T.
Protein change: p.Asp2178=; no amino-acid change (aspartic acid 2178 retained).
Molecular consequence: synonymous variant.
Genome position (GRCh38, 1-based): chr17:37,111,562, G>A on the plus strand (C>T on the coding strand, the complement: ACACA is on the minus strand). VCF-style: chr17-37111562-G-A. GRCh37 (hg19) VCF-style: chr17-35468497-G-A.
Other names: c.6423C>T, p.Asp2141= (NM_198836.3, NM_198839.3); c.6249C>T, p.Asp2083= (NM_198837.2); c.6189C>T, p.Asp2063= (NM_198838.2).
Identifiers: ClinVar variation 3047022 (VCV003047022.11), dbSNP rs542037525, ClinGen allele CA8514619.

ClinVar aggregate classification (germline): Benign/Likely benign. Review status: criteria provided, multiple submitters, no conflicts (2 of 4 stars). 3 submissions from 3 submitters: Benign (1); Likely benign (1). 1 of the submissions does not count toward it. Last evaluated 2025-03-01.

Conditions:
ACACA-related disorder. Also called: ACACA-related condition.

Allele frequency attached by ClinVar (database versions not stated): TOPMed 0.00001; gnomAD 0.00009; gnomAD exomes 0.00015; ExAC 0.00034; 1000 Genomes Project 0.00060; 1000 Genomes Project 30x 0.00078.
gnomAD v4.1: 237 of 1,614,154 alleles (0.015%); highest among the groups gnomAD compares: South Asian, 0.23%; 9 homozygotes.

Submissions (3):

CeGaT Center for Human Genetics Tuebingen
Classification: Likely benign. Last evaluated: 2025-03-01. Review status: criteria provided, single submitter. Criteria: CeGaT Center For Human Genetics Tuebingen Variant Classification Criteria Version 2. Collection method: clinical testing. Allele origin: germline. Affected: yes. Observed: 1 variant allele.
Comment: ACACA: BP4, BP7

Labcorp Genetics (formerly Invitae), Labcorp
Classification: Benign. Last evaluated: 2024-05-07. Review status: criteria provided, single submitter. Criteria: Invitae Variant Classification Sherloc (09022015). Collection method: clinical testing. Allele origin: germline.

PreventionGenetics, part of Exact Sciences
Classification: Likely benign for ACACA-related condition. Last evaluated: 2019-02-22. Review status: no assertion criteria provided. Collection method: clinical testing. Allele origin: germline. Not counted in ClinVar's aggregate classification.
Comment: This variant is classified as likely benign based on ACMG/AMP sequence variant interpretation guidelines (Richards et al. 2015 PMID: 25741868, with internal and published modifications).